The following is an entry in ClinVar:

ClinVar aggregate classification (germline): Uncertain significance (1 of 4 stars; one submission).

Conditions:
Myofibrillar myopathy 4. Also called: Zaspopathy (type). Identifiers: Orphanet 98912, MedGen C4721886, MONDO:0012277, OMIM 609452.

Submission:

Labcorp Genetics (formerly Invitae), Labcorp
Classification: Uncertain significance for Myofibrillar myopathy 4. Last evaluated: 2023-06-17. Review status: criteria provided, single submitter. Criteria: Invitae Variant Classification Sherloc (09022015). Collection method: clinical testing. Allele origin: germline.
Comment: The LDB3 gene has multiple clinically relevant transcripts. This variant occurs in alternate transcript NM_007078.3, and corresponds to NM_001080116.1:c.*10519G>C in the primary transcript. This sequence change falls in intron 8 of the LDB3 gene. It does not directly change the encoded amino acid sequence of the LDB3 protein. This variant is not present in population databases (gnomAD no frequency). This variant has not been reported in the literature in individuals affected with LDB3-related conditions. Experimental studies and prediction algorithms are not available or were not evaluated, and the effect of this variant on mRNA splicing is currently unknown. In summary, the available evidence is currently insufficient to determine the role of this variant in disease. Therefore, it has been classified as a Variant of Uncertain Significance.

NM_007078.3(LDB3):c.1086-12G>C

Gene: LDB3 (LIM domain binding 3; plus strand). Cytogenetic location: 10q23.2.
Variant type: single nucleotide variant.
Coding change: c.1086-12G>C on transcript NM_007078.3 (MANE Select); 12 bases into the intron before coding-DNA position 1086, G replaced by C.
Molecular consequence: intron variant.
Genome position (GRCh38, 1-based): chr10:86,709,893, G>C. VCF-style: chr10-86709893-G-C. GRCh37 (hg19) VCF-style: chr10-88469650-G-C.
Other names: c.897-12G>C (NM_001368064.1, NM_001368065.1); c.1101-12G>C (NM_001171610.2); c.945-12G>C (NM_001368066.1); c.756-12G>C (NM_001080114.2).
Identifiers: ClinVar variation 2718238 (VCV002718238.3), dbSNP rs772117977, ClinGen allele CA669469648.
Genomic context (GRCh38, chr10:86,709,893, plus strand): 5'-CCAGCCTGCCTTGACTGCAGGCCCCAGTGGGGGCTGTCCTTCTGGGTGTAACCCCTCCCC[G>C]CTTGGTTCCAGGCCCCAGGCCTCTTCCTACAGCCCCGCAGTGGCCGCCTCTTCAGCACCT-3'